The following is an entry in ClinVar:

ClinVar aggregate classification (germline): Pathogenic (1 of 4 stars; one submission).

Conditions:
Neurofibromatosis, type 1 (NF1). Also called: Neurofibromatosis, type I; NEUROFIBROMATOSIS, TYPE I, SOMATIC; VON RECKLINGHAUSEN DISEASE; Peripheral type neurofibromatosis. Identifiers: Orphanet 636, MedGen C0027831, MONDO:0018975, OMIM 162200. Disease mechanism: loss of function.

Submission:

Division Of Personalized Genomic Medicine, Columbia University Irving Medical Center
Classification: Pathogenic for Neurofibromatosis, type 1. Last evaluated: 2020-04-10. Review status: criteria provided, single submitter. Criteria: ACMG Guidelines, 2015. Collection method: clinical testing. Allele origin: germline, paternal. Inheritance: Autosomal dominant inheritance. Affected: yes. Observed: 2 heterozygotes. Clinical features observed: Lisch nodules (HP:0009737), Cafe au lait spots, multiple (HP:0007565).
Comment: The c.1019_1020insGA (p.Val341Metfs*36) variant in the NF1 gene is a frameshift mutation caused by the insertion of two nucleotides that results in the substitution of valine to a methionine at codon 341 in exon 9 (out of 58 total exons), which creates a premature stop codon at position 36 of the new reading frame. This variant is absent in the Genome Aggregation Database (gnomAD), indicating that it is not a common benign variant in the populations represented therein. Heterozygous loss of function variants in NF1, a negative regulator of RAS signal transduction, are consistent with a diagnosis of autosomal dominant Neurofibromatosis type 1 (OMIM#1622000). To the best of our knowledge, the c.1019_1020insGA variant has not been reported to be disease causing. However, several loss of function variants, downstream to this variant have been described to be disease causing (PMID:10712197; 23913538).

Literature cited by the submitters: PubMed 10712197; PubMed 23913538.

NM_001042492.3(NF1):c.1019_1020insGA (p.Val341fs)

Gene: NF1 (neurofibromin 1; plus strand). Cytogenetic location: 17q11.2.
Variant type: Insertion.
Coding change: c.1019_1020insGA on transcript NM_001042492.3 (MANE Select); coding-DNA positions 1019 to 1020, GA inserted.
Protein change: p.Val341fs; shifts the reading frame from valine 341.
Molecular consequence: frameshift variant.
Genome position: GRCh38 VCF-style: chr17-31200552-C-CGA. GRCh37 (hg19) VCF-style: chr17-29527570-C-CGA.
Other names: c.1019_1020insGA, p.Val341Metfs (NM_000267.4); c.1019_1020insGA, p.Val341fs (NM_001128147.3); short protein forms V341fs.
Identifiers: ClinVar variation 2581075 (VCV002581075.2), dbSNP rs2544794147, ClinGen allele CA2580618195.